The following is an entry in ClinVar:

NM_015001.3(SPEN):c.3976del (p.Lys1325_Ile1326insTer)

Gene: SPEN (spen family transcriptional repressor; plus strand). Cytogenetic location: 1p36.13.
Variant type: Deletion.
Coding change: c.3976del on transcript NM_015001.3 (MANE Select); coding-DNA position 3976, one base deleted (A; older notation c.3976delA).
Protein change: p.Lys1325_Ile1326insTer.
Molecular consequence: nonsense.
Genome position (GRCh38, 1-based): chr1:15,930,216, A deleted; the last of 4 consecutive A bases (chr1:15,930,213-15,930,216); deleting any one gives the same sequence. VCF-style (leftmost placement, unchanged base first): chr1-15930212-CA-C. GRCh37 (hg19) VCF-style: chr1-16256707-CA-C.
Identifiers: ClinVar variation 985171 (VCV000985171.4), dbSNP rs2071207771, ClinGen allele CA1139655987.

ClinVar aggregate classification (germline): Pathogenic (1 of 4 stars; one submission).

Conditions:
Inborn genetic diseases. Identifiers: MedGen C0950123, MeSH D030342.

Submission:

Ambry Genetics
Classification: Pathogenic for Inborn genetic diseases. Last evaluated: 2021-10-26. Review status: criteria provided, single submitter. Criteria: Ambry Variant Classification Scheme 2023. Collection method: clinical testing. Allele origin: germline.
Comment: The c.3976delA (p.I1326*) alteration, located in exon 11 (coding exon 11) of the SPEN gene, consists of a deletion of one nucleotide at position 3976, causing a translational frameshift with a predicted alternate stop codon. This changes the amino acid from a isoleucine to a stop codon at amino acid position 1326. This alteration is expected to result in loss of function by premature protein truncation or nonsense-mediated mRNA decay. This variant was not reported in population-based cohorts in the Genome Aggregation Database (gnomAD). Based on the available evidence, this alteration is classified as pathogenic.